The following is an entry in ClinVar:

NM_003737.4(DCHS1):c.4959G>T (p.Glu1653Asp)

Gene: DCHS1 (dachsous cadherin-related 1; minus strand). Cytogenetic location: 11p15.4.
Variant type: single nucleotide variant.
Coding change: c.4959G>T on transcript NM_003737.4 (MANE Select); coding-DNA position 4959, G replaced by T.
Protein change: p.Glu1653Asp; replaces glutamic acid 1653 with aspartic acid.
Molecular consequence: missense variant.
Genome position (GRCh38, 1-based): chr11:6,629,748, C>A on the plus strand (G>T on the coding strand, the complement: DCHS1 is on the minus strand). VCF-style: chr11-6629748-C-A. GRCh37 (hg19) VCF-style: chr11-6650979-C-A.
Other names: short protein forms E1653D.
Identifiers: ClinVar variation 4742971 (VCV004742971.1).

ClinVar aggregate classification (germline): Uncertain significance (1 of 4 stars; one submission).

Submission:

Labcorp Genetics (formerly Invitae), Labcorp
Classification: Uncertain significance. Last evaluated: 2025-12-21. Review status: criteria provided, single submitter. Criteria: Invitae Variant Classification Sherloc (09022015). Collection method: clinical testing. Allele origin: germline.
Comment: This sequence change replaces glutamic acid, which is acidic and polar, with aspartic acid, which is acidic and polar, at codon 1653 of the DCHS1 protein (p.Glu1653Asp). This variant is not present in population databases (gnomAD no frequency). This variant has not been reported in the literature in individuals affected with DCHS1-related conditions. Invitae Evidence Modeling of protein sequence and biophysical properties (such as structural, functional, and spatial information, amino acid conservation, physicochemical variation, residue mobility, and thermodynamic stability) has been performed for this missense variant. However, the output from this modeling did not meet the statistical confidence thresholds required to predict the impact of this variant on DCHS1 protein function. In summary, the available evidence is currently insufficient to determine the role of this variant in disease. Therefore, it has been classified as a Variant of Uncertain Significance.